The following is an entry in ClinVar:

ClinVar aggregate classification (germline): Pathogenic/Likely pathogenic. Review status: criteria provided, multiple submitters, no conflicts (2 of 4 stars). 2 submissions from 2 submitters: Pathogenic (1); Likely pathogenic (1). Last evaluated 2025-02-03.

Conditions:
Retinitis pigmentosa 56 (RP56). Identifiers: Orphanet 791, MedGen C3150819, MONDO:0013314, OMIM 613581.
Vitelliform macular dystrophy 5. Identifiers: Orphanet 99000, MedGen C4015343, MONDO:0014509, OMIM 616152.

gnomAD v4.1: 6 of 1,613,266 alleles (0.00037%); highest among the groups gnomAD compares: East Asian, 0.0067%; no homozygotes.

Submissions (2):

Labcorp Genetics (formerly Invitae), Labcorp
Classification: Pathogenic. Last evaluated: 2025-02-03. Review status: criteria provided, single submitter. Criteria: Invitae Variant Classification Sherloc (09022015). Collection method: clinical testing. Allele origin: germline.
Comment: This sequence change creates a premature translational stop signal (p.Arg111*) in the IMPG2 gene. It is expected to result in an absent or disrupted protein product. Loss-of-function variants in IMPG2 are known to be pathogenic (PMID: 20673862). This variant is present in population databases (rs763799010, gnomAD 0.02%). This premature translational stop signal has been observed in individual(s) with clinical features of retinitis pigmentosa (PMID: 28488341). For these reasons, this variant has been classified as Pathogenic.

Juno Genomics, Hangzhou Juno Genomics, Inc
Classification: Likely pathogenic for Vitelliform macular dystrophy 5; Retinitis pigmentosa 56. Review status: criteria provided, single submitter. Criteria: ACMG Guidelines, 2015. Collection method: clinical testing. Allele origin: germline.
Comment: Absent from controls (or at extremely low frequency if recessive) in Genome Aggregation Database.;Null variant in a gene where loss of function (LOF) is a known mechanism of disease.

Literature cited by the submitters: PubMed 20673862 (cited by Labcorp Genetics (formerly Invitae), Labcorp); PubMed 28488341 (cited by Labcorp Genetics (formerly Invitae), Labcorp).

NM_016247.4(IMPG2):c.331C>T (p.Arg111Ter)

Gene: IMPG2 (interphotoreceptor matrix proteoglycan 2; minus strand). Cytogenetic location: 3q12.3.
Variant type: single nucleotide variant.
Coding change: c.331C>T on transcript NM_016247.4 (MANE Select); coding-DNA position 331, C replaced by T.
Protein change: p.Arg111Ter; replaces arginine 111 with a stop codon.
Molecular consequence: nonsense.
Genome position (GRCh38, 1-based): chr3:101,319,587, G>A on the plus strand (C>T on the coding strand, the complement: IMPG2 is on the minus strand). VCF-style: chr3-101319587-G-A. GRCh37 (hg19) VCF-style: chr3-101038431-G-A.
Other names: short protein forms R111*.
Identifiers: ClinVar variation 4747326 (VCV004747326.3).